The following is an entry in ClinVar:

NM_001232.4(CASQ2):c.738-1G>T

Gene: CASQ2 (calsequestrin 2; minus strand). Cytogenetic location: 1p13.1.
Variant type: single nucleotide variant.
Coding change: c.738-1G>T on transcript NM_001232.4 (MANE Select); the canonical splice acceptor site of the intron before coding-DNA position 738, G replaced by T.
Molecular consequence: splice acceptor variant.
Genome position (GRCh38, 1-based): chr1:115,725,554, C>A on the plus strand (G>T on the coding strand, the complement: CASQ2 is on the minus strand). VCF-style: chr1-115725554-C-A. GRCh37 (hg19) VCF-style: chr1-116268175-C-A.
Identifiers: ClinVar variation 3575248 (VCV003575248.2).

ClinVar aggregate classification (germline): Likely pathogenic. Review status: criteria provided, multiple submitters, no conflicts (2 of 4 stars). 2 submissions from 2 submitters: Likely pathogenic (2). Last evaluated 2025-06-24.

Conditions:
Catecholaminergic polymorphic ventricular tachycardia 1. Also called: VENTRICULAR TACHYCARDIA, CATECHOLAMINERGIC POLYMORPHIC, 1, WITH OR WITHOUT ATRIAL DYSFUNCTION AND/OR DILATED CARDIOMYOPATHY; VENTRICULAR TACHYCARDIA, STRESS-INDUCED POLYMORPHIC 1; RYR2-Related Catecholaminergic Polymorphic Ventricular Tachycardia. Identifiers: Orphanet 3286, MedGen C1631597, MONDO:0011484, OMIM 604772.
Catecholaminergic polymorphic ventricular tachycardia 2. Also called: VENTRICULAR TACHYCARDIA, STRESS-INDUCED POLYMORPHIC 2; CASQ2-Related Catecholaminergic Polymorphic Ventricular Tachycardia. Identifiers: Orphanet 3286, MedGen C2677794, MONDO:0012762, OMIM 611938.

Submissions (2):

Labcorp Genetics (formerly Invitae), Labcorp
Classification: Likely pathogenic for Catecholaminergic polymorphic ventricular tachycardia 1. Last evaluated: 2025-06-24. Review status: criteria provided, single submitter. Criteria: Invitae Variant Classification Sherloc (09022015). Collection method: clinical testing. Allele origin: germline.
Comment: This sequence change affects an acceptor splice site in intron 6 of the CASQ2 gene. It is expected to disrupt RNA splicing. Variants that disrupt the donor or acceptor splice site typically lead to a loss of protein function (PMID: 16199547), and loss-of-function variants in CASQ2 are known to be pathogenic (PMID: 12386154). This variant is not present in population databases (gnomAD no frequency). This variant has not been reported in the literature in individuals affected with CASQ2-related conditions. ClinVar contains an entry for this variant (Variation ID: 3575248). Algorithms developed to predict the effect of sequence changes on RNA splicing suggest that this variant may disrupt the consensus splice site. In summary, the currently available evidence indicates that the variant is pathogenic, but additional data are needed to prove that conclusively. Therefore, this variant has been classified as Likely Pathogenic.

Fulgent Genetics
Classification: Likely pathogenic for Catecholaminergic polymorphic ventricular tachycardia 2. Last evaluated: 2024-04-10. Review status: criteria provided, single submitter. Criteria: ACMG Guidelines, 2015. Collection method: clinical testing. Allele origin: germline.

Literature cited by the submitters: PubMed 16199547 (cited by Labcorp Genetics (formerly Invitae), Labcorp); PubMed 12386154 (cited by Labcorp Genetics (formerly Invitae), Labcorp).